The following is an entry in ClinVar:

ClinVar aggregate classification (germline): Likely benign. Review status: criteria provided, multiple submitters, no conflicts (2 of 4 stars). 2 submissions from 2 submitters: Likely benign (2). Last evaluated 2018-06-16.

Allele frequency attached by ClinVar (database versions not stated): TOPMed 0.01259; gnomAD 0.01347 and 0.01378; gnomAD exomes 0.01413; ESP Exome Variant Server 0.01466; ExAC 0.01567; 1000 Genomes Project 0.00519; 1000 Genomes Project 30x 0.00625.
gnomAD v4.1: 29,542 of 1,592,640 alleles (1.9%); highest among the groups gnomAD compares: Non-Finnish European, 2.2%; 360 homozygotes.

Submissions (2):

GeneDx
Classification: Likely benign. Last evaluated: 2018-06-16. Review status: criteria provided, single submitter. Criteria: GeneDx Variant Classification (06012015). Collection method: clinical testing. Allele origin: germline. Affected: yes.
Comment: This variant is considered likely benign or benign based on one or more of the following criteria: it is a conservative change, it occurs at a poorly conserved position in the protein, it is predicted to be benign by multiple in silico algorithms, and/or has population frequency not consistent with disease.

Breakthrough Genomics
Classification: Likely benign. Review status: criteria provided, single submitter. Criteria: ACMG Guidelines, 2015. Collection method: not provided. Allele origin: germline. Inheritance: Autosomal recessive inheritance. Affected: yes.

NM_002768.5(CHMP1A):c.253-26C>T

Gene: CHMP1A (charged multivesicular body protein 1A; minus strand). Cytogenetic location: 16q24.3.
Variant type: single nucleotide variant.
Coding change: c.253-26C>T on transcript NM_002768.5 (MANE Select); 26 bases into the intron before coding-DNA position 253, C replaced by T.
Molecular consequence: intron variant.
Genome position (GRCh38, 1-based): chr16:89,647,357, G>A on the plus strand (C>T on the coding strand, the complement: CHMP1A is on the minus strand). VCF-style: chr16-89647357-G-A. GRCh37 (hg19) VCF-style: chr16-89713765-G-A.
Other names: c.233-26C>T (NM_001083314.4).
Identifiers: ClinVar variation 678987 (VCV000678987.2), dbSNP rs72805593, ClinGen allele CA8247083.